The following is an entry in ClinVar:

NM_006079.5(CITED2):c.580_591del (p.Gly194_Gly197del)

Genes: CITED2 (Cbp/p300 interacting transactivator with Glu/Asp rich carboxy-terminal domain 2; minus strand), LOC129997307 (ATAC-STARR-seq lymphoblastoid silent region 17609; plus strand). Cytogenetic location: 6q24.1.
Variant type: Deletion.
Coding change: c.580_591del on transcript NM_006079.5 (MANE Select); coding-DNA positions 580 to 591, 12 bases deleted (GGCGGCAGCGGC).
Protein change: p.Gly194_Gly197del.
Genome position (GRCh38, 1-based): chr6:139,373,354-139,373,365, GCCGCTGCCGCC deleted on the plus strand (GGCGGCAGCGGC on the coding strand, the reverse complement: CITED2 is on the minus strand); deleting any 12 consecutive bases within chr6:139,373,354-139,373,372 gives the same sequence; the c. name uses the placement nearest the transcript's 3' end. VCF-style (leftmost placement, unchanged base first): chr6-139373353-TGCCGCTGCCGCC-T. GRCh37 (hg19) VCF-style: chr6-139694490-TGCCGCTGCCGCC-T.
Other names: c.580_591del12 (NM_006079.5); c.580_591del, p.Gly194_Gly197del (NM_001168388.3); c.595_606del, p.Gly199_Gly202del (NM_001168389.3).
Identifiers: ClinVar variation 4537147 (VCV004537147.1).

ClinVar aggregate classification (germline): Uncertain significance (1 of 4 stars; one submission).

Submission:

Women's Health and Genetics/Laboratory Corporation of America, LabCorp
Classification: Uncertain significance. Last evaluated: 2025-11-03. Review status: criteria provided, single submitter. Criteria: LabCorp Variant Classification Summary - May 2015. Collection method: clinical testing. Allele origin: germline.
Comment: Variant summary: CITED2 c.580_591del12 (p.Gly194_Gly197del) results in an in-frame deletion that is predicted to remove four amino acids from the encoded protein. The variant was absent in 214708 control chromosomes. The available data on variant occurrences in the general population are insufficient to allow any conclusion about variant significance. To our knowledge, no occurrence of c.580_591del12 in individuals affected with CITED2-related conditions and no experimental evidence demonstrating its impact on protein function have been reported. No submitters have cited clinical-significance assessments for this variant to ClinVar. Based on the evidence outlined above, the variant was classified as uncertain significance.